The following is an entry in ClinVar:

ClinVar aggregate classification (germline): Pathogenic. Review status: criteria provided, multiple submitters, no conflicts (2 of 4 stars). 13 submissions from 13 submitters: Pathogenic (9). 4 of the submissions do not count toward it. Last evaluated 2026-03-01.

Conditions:
COL7A1-related disorder. Also called: COL7A1-related condition; COL7A1- related disorders.
Recessive dystrophic epidermolysis bullosa (RDEB). Also called: Recessive DEB (RDEB); Epidermolysis Bullosa Distrophica Autosomal Recessive (RDEB); severe generalized recessive dystrophic epidermolysis bullosa; Hallopeau-Siemens Disease; epidermolysis bullosa dystrophica, autosomal recessive; EPIDERMOLYSIS BULLOSA DYSTROPHICA, GENERALIZED SEVERE, AUTOSOMAL RECESSIVE. Identifiers: Orphanet 79408, Orphanet 79409, MedGen C0079474, MONDO:0009179, OMIM 226600.
Generalized dominant dystrophic epidermolysis bullosa (DDEB). Also called: DDEB, generalized; DDEB-gen; DYSTROPHIC EPIDERMOLYSIS BULLOSA, AUTOSOMAL DOMINANT; Epidermolysis bullosa dystrophica, autosomal dominant; Dominant DEB (DDEB). Identifiers: Orphanet 231568, MedGen C0432322, MONDO:0007549, OMIM 131750.
Epidermolysis bullosa dystrophica. Also called: Dystrophic epidermolysis bullosa, Hallopeau-Siemens type (formerly); Dystrophic epidermolysis bullosa. Identifiers: Orphanet 303, MedGen C0079294, MONDO:0006543.

Allele frequency attached by ClinVar (database versions not stated): gnomAD exomes below 0.00001.
gnomAD v4.1: 1 of 1,609,974 alleles (0.000062%); no homozygotes.

Submissions (13):

PreventionGenetics, part of Exact Sciences
Classification: Pathogenic for COL7A1-related condition. Last evaluated: 2026-03-01. Review status: criteria provided, single submitter. Criteria: ACMG Guidelines, 2015. Collection method: clinical testing. Allele origin: germline.
Comment: The COL7A1 c.6100G>A variant is predicted to result in the amino acid substitution p.Gly2034Arg. This variant has been reported in the heterozygous state in many individuals with autosomal dominant dystrophic epidermolysis bullosa (DDEB) (see for example, Kon et al. 1997. PubMed ID: 9347800; Van den Akker et al. 2015. PubMed ID: 25113066; Chen et al. 2020. PubMed ID: 32484238; Yu et al. 2021. PubMed ID: 34046686; Darbord et al. 2022. PubMed ID: 34543471). This variant resides in exon 73 and results in a glycine amino acid substitution. Glycine substitution variants in the triple helical domain (Gly-X-Y; especially in exons 73, 74, and 75) are predominant in autosomal dominant dystrophic epidermolysis bullosa (DDEB). This variant is reported in 0.0029% (one heterozygous record) of alleles in individuals of Latino descent in gnomAD. This variant is interpreted as pathogenic.

3billion
Classification: Pathogenic for COL7A1-related disorder. Last evaluated: 2025-11-18. Review status: criteria provided, single submitter. Criteria: ACMG Guidelines, 2015. Collection method: clinical testing. Allele origin: germline. Affected: yes.
Comment: The variant is observed at an extremely low frequency in the gnomAD v4.1.0 dataset (total allele frequency: <0.001%). Predicted Consequence/Location: Missense variant In silico tool predictions suggest damaging effect of the variant on gene or gene product [REVEL: 0.97 (>=0.6, sensitivity 0.68 and specificity 0.92); 3Cnet: 0.92 (> 0.75, sensitivity 0.96 and precision 0.92)]. The same nucleotide change resulting in the same amino acid change has been previously reported as pathogenic/likely pathogenic with strong evidence (ClinVar ID: VCV000017450 /PMID: 9347800 /3billion dataset). The variant has been reported to co-segregate with the disease in at least 7 similarly affected relatives/individuals in at least two unrelated families (PMID: 9347800). A different missense change at the same codon (p.Gly2034Ala, p.Gly2034Glu, p.Gly2034Trp, p.Gly2034Val) has been reported as pathogenic/likely pathogenic with strong evidence (ClinVar ID: VCV000379224, VCV002636169 /PMID: 16484981, 23624125, 29473190, 9856843). Therefore, this variant is classified as Pathogenic according to the recommendation of ACMG/AMP guideline.

Natera, Inc.
Classification: Pathogenic for Dystrophic epidermolysis bullosa. Last evaluated: 2025-07-14. Review status: criteria provided, single submitter. Criteria: Natera Variant Classification Schema (03/2026). Collection method: clinical testing. Allele origin: germline.
Comment: The c.6100G>A variant in COL7A1 is a missense variant predicted to cause substitution of glycine to arginine at amino acid 2034. This variant is rare in the general population with a frequency below the threshold expected for the associated phenotype(s). This variant has been observed in one or more individuals affected with the associated recessive disease, as either homozygous or compound heterozygous with a second variant (PMID: 25088787). This variant has been observed in affected individual(s) with monoallelic occurrence (heterozygous/hemizygous) (PMID: 9347800, 33274474). Additionally, this variant has been observed to segregate in affected family members (PMID: 9347800). Computational prediction algorithms indicate this variant is likely to affect gene or protein function. Given the available evidence, this variant is classified as Pathogenic.

Labcorp Genetics (formerly Invitae), Labcorp
Classification: Pathogenic. Last evaluated: 2024-10-02. Review status: criteria provided, single submitter. Criteria: Invitae Variant Classification Sherloc (09022015). Collection method: clinical testing. Allele origin: germline.
Comment: This sequence change replaces glycine, which is neutral and non-polar, with arginine, which is basic and polar, at codon 2034 of the COL7A1 protein (p.Gly2034Arg). This variant is present in population databases (rs121912844, gnomAD 0.003%). This missense change has been observed in individual(s) with autosomal dominant epidermolysis bullosa dystrophica (PMID: 9347800). It has also been observed to segregate with disease in related individuals. ClinVar contains an entry for this variant (Variation ID: 17450). Invitae Evidence Modeling of protein sequence and biophysical properties (such as structural, functional, and spatial information, amino acid conservation, physicochemical variation, residue mobility, and thermodynamic stability) indicates that this missense variant is expected to disrupt COL7A1 protein function with a positive predictive value of 95%. This variant disrupts the triple helix domain of COL7A1. Glycine residues within the Gly-Xaa-Yaa repeats of the triple helix domain are required for the structure and stability of fibrillar collagens (PMID: 7695699, 8218237, 19344236), and variants at these glycine residues in COL7A1 are more frequently observed in individuals with disease than in the general population (PMID: 22058051). However, the clinical significance of this observation remains uncertain since only a limited number of affected individuals have been described to date. For these reasons, this variant has been classified as Pathogenic.

GeneDx
Classification: Pathogenic. Last evaluated: 2023-05-16. Review status: criteria provided, single submitter. Criteria: GeneDx Variant Classification Process June 2021. Collection method: clinical testing. Allele origin: germline. Affected: yes.
Comment: One of the most common pathogenic variants in individuals with autosomal dominant dystrophic epidermolysis bullosa (DDEB); G2034R and G2043R account for up 50% of the DDEB pathogenic variants reported in the largest US cohort (Varki et al., 2007; Pfendner and Lucky, 2018); Located in the highly conserved Gly-X-Y repeat of the collagenous domain; Glycine substitution variants in this region of the COLVII protein destabilize the collagen triple helix resulting in skin fragility due to poor anchoring of the basement membrane to the underlying dermis (Pfendner and Lucky, 2018); Not observed at significant frequency in large population cohorts (gnomAD); In silico analysis supports that this missense variant has a deleterious effect on protein structure/function; This variant is associated with the following publications: (PMID: 25113066, 21448560, 11874498, 10084325, 9856844, 2653224, 9215684, 31001817, 34046686, 32484238, 11218887, 33274474, 9347800, 16971478, 34543471)

Blueprint Genetics
Classification: Pathogenic for COL7A1-related disorders. Last evaluated: 2023-04-13. Review status: criteria provided, single submitter. Criteria: ACMG Guidelines, 2015. Collection method: clinical testing. Allele origin: germline. Affected: yes. Observed: 5 variant alleles.

Laboratorio de Genetica e Diagnostico Molecular, Hospital Israelita Albert Einstein
Classification: Pathogenic for Generalized dominant dystrophic epidermolysis bullosa; Recessive dystrophic epidermolysis bullosa. Last evaluated: 2022-02-17. Review status: criteria provided, single submitter. Criteria: ACMG Guidelines, 2015. Collection method: clinical testing. Allele origin: germline. Affected: yes.
Comment: ACMG classification criteria: PS4 strong, PM1 moderate, PM2 moderate, PP1 strong, PP3 supporting

Biomedical Innovation Departament, CIEMAT
Classification: Pathogenic for Dystrophic epidermolysis bullosa. Last evaluated: 2019-12-02. Review status: criteria provided, single submitter. Criteria: ACMG Guidelines, 2015. Collection method: research. Allele origin: germline. Affected: yes. Observed: 3 variant alleles.

Juno Genomics, Hangzhou Juno Genomics, Inc
Classification: Pathogenic for Generalized dominant dystrophic epidermolysis bullosa. Review status: criteria provided, single submitter. Criteria: ACMG Guidelines, 2015. Collection method: clinical testing. Allele origin: germline. Affected: yes.
Comment: Absent from controls (or at extremely low frequency if recessive) in Genome Aggregation Database.;Multiple lines of computational evidence support a deleterious effect on the gene or gene product.;Missense variant in a gene that has a low rate of benign missense variation.;The prevalence of the variant in affected individuals is significantly increased compared to the prevalence in controls.;Patient's phenotype or family history is highly specific for a disease with a single genetic etiology.

OMIM
Classification: Pathogenic for EPIDERMOLYSIS BULLOSA DYSTROPHICA, AUTOSOMAL DOMINANT. Last evaluated: 2002-03-01. Review status: no assertion criteria provided. Collection method: literature only. Allele origin: germline. Not counted in ClinVar's aggregate classification.

Diagnostic Laboratory, Department of Genetics, University Medical Center Groningen
Classification: Pathogenic. Review status: no assertion criteria provided. Collection method: clinical testing. Allele origin: germline. Affected: yes. Study: VKGL Data-share Consensus. Not counted in ClinVar's aggregate classification.

GeneReviews
No classification provided. Condition: Generalized dominant dystrophic epidermolysis bullosa. Review status: no classification provided. Collection method: literature only. Allele origin: germline. Not counted in ClinVar's aggregate classification.

Joint Genome Diagnostic Labs from Nijmegen and Maastricht, Radboudumc and MUMC+
Classification: Pathogenic. Review status: no assertion criteria provided. Collection method: clinical testing. Allele origin: germline. Affected: yes. Study: VKGL Data-share Consensus. Not counted in ClinVar's aggregate classification.

Literature cited by the submitters: PubMed 16484981 (cited by 3billion); PubMed 9347800 (cited by 5 submitters); PubMed 25088787 (cited by Natera, Inc.); PubMed 33274474 (cited by Natera, Inc.); PubMed 7695699 (cited by Labcorp Genetics (formerly Invitae), Labcorp); PubMed 8218237 (cited by Labcorp Genetics (formerly Invitae), Labcorp); PubMed 19344236 (cited by Labcorp Genetics (formerly Invitae), Labcorp); PubMed 22058051 (cited by Labcorp Genetics (formerly Invitae), Labcorp); PubMed 9856844 (cited by OMIM); PubMed 10084325 (cited by OMIM); PubMed 11874498 (cited by OMIM); PubMed 8345225 (cited by OMIM).

NM_000094.4(COL7A1):c.6100G>A (p.Gly2034Arg)

Gene: COL7A1 (collagen type VII alpha 1 chain; minus strand). Cytogenetic location: 3p21.31.
Variant type: single nucleotide variant.
Coding change: c.6100G>A on transcript NM_000094.4 (MANE Select); coding-DNA position 6100, G replaced by A.
Protein change: p.Gly2034Arg; replaces glycine 2034 with arginine.
Molecular consequence: missense variant.
Genome position (GRCh38, 1-based): chr3:48,575,419, C>T on the plus strand (G>A on the coding strand, the complement: COL7A1 is on the minus strand). VCF-style: chr3-48575419-C-T. GRCh37 (hg19) VCF-style: chr3-48612852-C-T.
Other names: short protein forms G2034R.
Identifiers: ClinVar variation 17450 (VCV000017450.25), dbSNP rs121912844, ClinGen allele CA257952.